The following is an entry in ClinVar:

ClinVar aggregate classification (germline): Uncertain significance. Review status: criteria provided, multiple submitters, no conflicts (2 of 4 stars). 4 submissions from 4 submitters: Uncertain significance (3). 1 of the submissions does not count toward it. Last evaluated 2025-05-13.

Conditions:
Inborn genetic diseases. Identifiers: MedGen C0950123, MeSH D030342.
PEX6-related disorder. Also called: PEX6-related condition; PEX6-related disorders.
Peroxisome biogenesis disorder. Identifiers: Orphanet 79189, MedGen C1832200, MONDO:0019234. Disease mechanism: loss of function.

gnomAD v4.1: 38 of 1,614,062 alleles (0.0024%); highest among the groups gnomAD compares: Non-Finnish European, 0.0031%; no homozygotes.

Submissions (4):

Ambry Genetics
Classification: Uncertain significance for Inborn genetic diseases. Last evaluated: 2025-05-13. Review status: criteria provided, single submitter. Criteria: Ambry Variant Classification Scheme 2023. Collection method: clinical testing. Allele origin: germline.

Blueprint Genetics
Classification: Uncertain significance. Last evaluated: 2024-06-18. Review status: criteria provided, single submitter. Criteria: ACMG Guidelines, 2015. Collection method: clinical testing. Allele origin: germline.

Labcorp Genetics (formerly Invitae), Labcorp
Classification: Uncertain significance for Peroxisome biogenesis disorder. Last evaluated: 2022-06-24. Review status: criteria provided, single submitter. Criteria: Invitae Variant Classification Sherloc (09022015). Collection method: clinical testing. Allele origin: germline.
Comment: This sequence change replaces leucine, which is neutral and non-polar, with phenylalanine, which is neutral and non-polar, at codon 251 of the PEX6 protein (p.Leu251Phe). This variant is present in population databases (rs769332435, gnomAD 0.002%). This variant has not been reported in the literature in individuals affected with PEX6-related conditions. Algorithms developed to predict the effect of missense changes on protein structure and function (SIFT, PolyPhen-2, Align-GVGD) all suggest that this variant is likely to be tolerated. In summary, the available evidence is currently insufficient to determine the role of this variant in disease. Therefore, it has been classified as a Variant of Uncertain Significance.

PreventionGenetics, part of Exact Sciences
Classification: Uncertain significance for PEX6-related condition. Last evaluated: 2024-07-17. Review status: no assertion criteria provided. Collection method: clinical testing. Allele origin: germline. Not counted in ClinVar's aggregate classification.
Comment: The PEX6 c.751C>T variant is predicted to result in the amino acid substitution p.Leu251Phe. To our knowledge, this variant has not been reported in the literature. This variant is reported in 0.0018% of alleles in individuals of European (Non-Finnish) descent in gnomAD. At this time, the clinical significance of this variant is uncertain due to the absence of conclusive functional and genetic evidence.

NM_000287.4(PEX6):c.751C>T (p.Leu251Phe)

Gene: PEX6 (peroxisomal biogenesis factor 6; minus strand). Cytogenetic location: 6p21.1.
Variant type: single nucleotide variant.
Coding change: c.751C>T on transcript NM_000287.4 (MANE Select); coding-DNA position 751, C replaced by T.
Protein change: p.Leu251Phe; replaces leucine 251 with phenylalanine.
Molecular consequence: missense variant. On other transcripts: non-coding transcript variant (1), intron variant (1).
Genome position (GRCh38, 1-based): chr6:42,978,400, G>A on the plus strand (C>T on the coding strand, the complement: PEX6 is on the minus strand). VCF-style: chr6-42978400-G-A. GRCh37 (hg19) VCF-style: chr6-42946138-G-A.
Other names: c.618+133C>T (NM_001316313.2); c.751C>T (NM_000287.3); short protein forms L251F.
Identifiers: ClinVar variation 2153461 (VCV002153461.5), dbSNP rs769332435, ClinGen allele CA3811572.